The following is an entry in ClinVar:

ClinVar aggregate classification (germline): Likely pathogenic (0 of 4 stars; one submission).

Conditions:
TRIO-related disorder. Also called: TRIO-related condition; TRIO-related disorders.

Submission:

PreventionGenetics, part of Exact Sciences
Classification: Likely pathogenic for TRIO-related condition. Last evaluated: 2024-07-05. Review status: no assertion criteria provided. Collection method: clinical testing. Allele origin: germline.
Comment: The TRIO c.7162_7183dup22 variant is predicted to result in a frameshift and premature protein termination (p.Pro2395Glnfs*53). To our knowledge, this variant has not been reported in the literature or in gnomAD, indicating this variant is rare. Frameshift variants in TRIO are expected to be pathogenic. This variant is interpreted as likely pathogenic.

NM_007118.4(TRIO):c.7162_7183dup (p.Pro2395fs)

Gene: TRIO (trio Rho guanine nucleotide exchange factor; plus strand). Cytogenetic location: 5p15.2.
Variant type: Duplication.
Coding change: c.7162_7183dup on transcript NM_007118.4 (MANE Select); coding-DNA positions 7162 to 7183, 22 bases duplicated (AGCGCGCCCAGCAGGCGGCCCC).
Protein change: p.Pro2395fs; shifts the reading frame from proline 2395.
Molecular consequence: frameshift variant.
Genome position (GRCh38, 1-based): chr5:14,487,790-14,487,811, AGCGCGCCCAGCAGGCGGCCCC duplicated; duplicating any 22 consecutive bases within chr5:14,487,783-14,487,811 gives the same sequence; the c. name uses the placement nearest the transcript's 3' end. VCF-style (leftmost placement, unchanged base first): chr5-14487782-C-CCGGCCCCAGCGCGCCCAGCAGG. GRCh37 (hg19) VCF-style: chr5-14487891-C-CCGGCCCCAGCGCGCCCAGCAGG.
Other names: short protein forms P2395fs.
Identifiers: ClinVar variation 3347525 (VCV003347525.1).